The following is an entry in ClinVar:

ClinVar aggregate classification (germline): Uncertain significance (1 of 4 stars; one submission).

Submission:

Labcorp Genetics (formerly Invitae), Labcorp
Classification: Uncertain significance. Last evaluated: 2023-12-21. Review status: criteria provided, single submitter. Criteria: Invitae Variant Classification Sherloc (09022015). Collection method: clinical testing. Allele origin: germline.
Comment: This sequence change replaces asparagine, which is neutral and polar, with isoleucine, which is neutral and non-polar, at codon 248 of the NSD1 protein (p.Asn248Ile). This variant is not present in population databases (gnomAD no frequency). This variant has not been reported in the literature in individuals affected with NSD1-related conditions. Advanced modeling of protein sequence and biophysical properties (such as structural, functional, and spatial information, amino acid conservation, physicochemical variation, residue mobility, and thermodynamic stability) performed at Invitae indicates that this missense variant is not expected to disrupt NSD1 protein function with a negative predictive value of 95%. In summary, the available evidence is currently insufficient to determine the role of this variant in disease. Therefore, it has been classified as a Variant of Uncertain Significance.

NM_022455.5(NSD1):c.743A>T (p.Asn248Ile)

Gene: NSD1 (nuclear receptor binding SET domain protein 1; plus strand). Cytogenetic location: 5q35.3.
Variant type: single nucleotide variant.
Coding change: c.743A>T on transcript NM_022455.5 (MANE Select); coding-DNA position 743, A replaced by T.
Protein change: p.Asn248Ile; replaces asparagine 248 with isoleucine.
Molecular consequence: missense variant. On other transcripts: intron variant (8).
Genome position (GRCh38, 1-based): chr5:177,135,846, A>T. VCF-style: chr5-177135846-A-T. GRCh37 (hg19) VCF-style: chr5-176562847-A-T.
Other names: c.743A>T, p.Asn248Ile (NM_001409301.1, NM_001409302.1, NM_001409303.1); c.418-95A>T (NM_001409304.1); c.-36-95A>T (NM_001409305.1, NM_001409306.1, NM_001409308.1 and 4 more transcripts); short protein forms N248I.
Identifiers: ClinVar variation 3692869 (VCV003692869.2).